The following is an entry in ClinVar:

ClinVar aggregate classification (germline): Uncertain significance (1 of 4 stars; one submission).

Allele frequency attached by ClinVar (database versions not stated): gnomAD exomes below 0.00001.

Submission:

CeGaT Center for Human Genetics Tuebingen
Classification: Uncertain significance. Last evaluated: 2023-07-01. Review status: criteria provided, single submitter. Criteria: CeGaT Center For Human Genetics Tuebingen Variant Classification Criteria Version 2. Collection method: clinical testing. Allele origin: germline. Affected: yes. Observed: 1 variant allele.
Comment: AP2M1: PM2, BP4

NM_004068.4(AP2M1):c.963+8C>T

Gene: AP2M1 (adaptor related protein complex 2 subunit mu 1; plus strand). Cytogenetic location: 3q27.1.
Variant type: single nucleotide variant.
Coding change: c.963+8C>T on transcript NM_004068.4 (MANE Select); 8 bases into the intron after coding-DNA position 963, C replaced by T.
Molecular consequence: intron variant.
Genome position (GRCh38, 1-based): chr3:184,182,055, C>T. VCF-style: chr3-184182055-C-T. GRCh37 (hg19) VCF-style: chr3-183899843-C-T.
Other names: c.1038+8C>T (NM_001311198.2); c.957+8C>T (NM_001025205.2).
Identifiers: ClinVar variation 2578956 (VCV002578956.25), dbSNP rs2473725920, ClinGen allele CA2577975593.